The following is an entry in ClinVar:

NM_000179.3(MSH6):c.1369G>A (p.Ala457Thr)

Gene: MSH6 (mutS homolog 6; plus strand). Cytogenetic location: 2p16.3.
Variant type: single nucleotide variant.
Coding change: c.1369G>A on transcript NM_000179.3 (MANE Select); coding-DNA position 1369, G replaced by A.
Protein change: p.Ala457Thr; replaces alanine 457 with threonine.
Molecular consequence: missense variant.
Genome position (GRCh38, 1-based): chr2:47,799,352, G>A. VCF-style: chr2-47799352-G-A. GRCh37 (hg19) VCF-style: chr2-48026491-G-A.
Other names: c.979G>A, p.Ala327Thr (NM_001281492.2); c.463G>A, p.Ala155Thr (NM_001281493.2, NM_001281494.2); short protein forms A457T, A155T, A327T.
Identifiers: ClinVar variation 479915 (VCV000479915.6), dbSNP rs267608052, ClinGen allele CA346744900.

ClinVar aggregate classification (germline): Uncertain significance (1 of 4 stars; one submission).

Conditions:
Hereditary cancer-predisposing syndrome. Also called: Hereditary Cancer Syndrome; Neoplastic Syndromes, Hereditary; Tumor predisposition; Hereditary neoplastic syndrome. Identifiers: Orphanet 140162, MedGen C0027672, MeSH D009386, MONDO:0015356.

Submission:

Ambry Genetics
Classification: Uncertain significance for Hereditary cancer-predisposing syndrome. Last evaluated: 2025-01-16. Review status: criteria provided, single submitter. Criteria: Ambry Variant Classification Scheme 2023. Collection method: clinical testing. Allele origin: germline.
Comment: The p.A457T variant (also known as c.1369G>A), located in coding exon 4 of the MSH6 gene, results from a G to A substitution at nucleotide position 1369. The alanine at codon 457 is replaced by threonine, an amino acid with similar properties. Based on internal structural analysis, A457T is deleterious (Ambry internal data).This amino acid position is highly conserved in available vertebrate species. In addition, this alteration is predicted to be deleterious by in silico analysis. Based on the available evidence, the clinical significance of this variant remains unclear.